The following is an entry in ClinVar:

NM_001905.4(CTPS1):c.1252+818A>C

Genes: CTPS1 (CTP synthase 1; plus strand), LOC129930292 (ATAC-STARR-seq lymphoblastoid active region 859; plus strand). Cytogenetic location: 1p34.2.
Variant type: single nucleotide variant.
Coding change: c.1252+818A>C on transcript NM_001905.4 (MANE Select); 818 bases into the intron after coding-DNA position 1252, A replaced by C.
Molecular consequence: intron variant.
Genome position (GRCh38, 1-based): chr1:41,003,994, A>C. VCF-style: chr1-41003994-A-C. GRCh37 (hg19) VCF-style: chr1-41469666-A-C.
Other names: c.784+818A>C (NM_001301237.2).
Identifiers: ClinVar variation 2688364 (VCV002688364.2), dbSNP rs11209342, ClinGen allele CA10669391.

ClinVar aggregate classification (germline): Benign (1 of 4 stars; one submission).

Allele frequency attached by ClinVar (database versions not stated): 1000 Genomes Project 30x 0.32730; 1000 Genomes Project 0.33127; gnomAD 0.35176; TOPMed 0.35190.
gnomAD v4.1: 53,528 of 152,076 alleles (35%); highest among the groups gnomAD compares: Admixed American, 50%; 10,914 homozygotes.

Submission:

Unidad de Genómica Garrahan, Hospital de Pediatría Garrahan
Classification: Benign. Last evaluated: 2024-01-24. Review status: criteria provided, single submitter. Criteria: ACMG Guidelines, 2015. Collection method: clinical testing. Allele origin: germline. Affected: no. Observed: 68 variant alleles.
Comment: This variant is classified as Benign based on local population frequency. This variant was detected in 77% of patients studied by a panel of primary immunodeficiencies. Number of patients: 68. Only high quality variants are reported.